The following is an entry in ClinVar:

ClinVar aggregate classification (germline): Uncertain significance (1 of 4 stars; one submission).

Allele frequency attached by ClinVar (database versions not stated): TOPMed below 0.00001.

Submission:

Labcorp Genetics (formerly Invitae), Labcorp
Classification: Uncertain significance. Last evaluated: 2022-07-06. Review status: criteria provided, single submitter. Criteria: Invitae Variant Classification Sherloc (09022015). Collection method: clinical testing. Allele origin: germline.
Comment: In summary, the available evidence is currently insufficient to determine the role of this variant in disease. Therefore, it has been classified as a Variant of Uncertain Significance. Algorithms developed to predict the effect of sequence changes on RNA splicing suggest that this variant may create or strengthen a splice site. Algorithms developed to predict the effect of missense changes on protein structure and function (SIFT, PolyPhen-2, Align-GVGD) all suggest that this variant is likely to be tolerated. ClinVar contains an entry for this variant (Variation ID: 1416307). This variant has not been reported in the literature in individuals affected with FLVCR1-related conditions. This variant is not present in population databases (gnomAD no frequency). This sequence change replaces alanine, which is neutral and non-polar, with valine, which is neutral and non-polar, at codon 309 of the FLVCR1 protein (p.Ala309Val).

NM_014053.4(FLVCR1):c.926C>T (p.Ala309Val)

Gene: FLVCR1 (FLVCR choline and heme transporter 1; plus strand). Cytogenetic location: 1q32.3.
Variant type: single nucleotide variant.
Coding change: c.926C>T on transcript NM_014053.4 (MANE Select); coding-DNA position 926, C replaced by T.
Protein change: p.Ala309Val; replaces alanine 309 with valine.
Molecular consequence: missense variant.
Genome position (GRCh38, 1-based): chr1:212,872,720, C>T. VCF-style: chr1-212872720-C-T. GRCh37 (hg19) VCF-style: chr1-213046062-C-T.
Other names: short protein forms A309V.
Identifiers: ClinVar variation 1416307 (VCV001416307.8), dbSNP rs1664637636, ClinGen allele CA344791738.